The following is an entry in ClinVar:

ClinVar aggregate classification (germline): Benign/Likely benign. Review status: criteria provided, multiple submitters, no conflicts (2 of 4 stars). 4 submissions from 4 submitters: Benign (1); Likely benign (2). 1 of the submissions does not count toward it. Last evaluated 2024-12-23.

Conditions:
RTTN-related disorder. Also called: RTTN-related condition.

Allele frequency attached by ClinVar (database versions not stated): 1000 Genomes Project 0.00060; 1000 Genomes Project 30x 0.00062; TOPMed 0.00067.
gnomAD v4.1: 226 of 1,613,486 alleles (0.014%); highest among the groups gnomAD compares: African/African-American, 0.28%; 1 homozygote.

Submissions (4):

Labcorp Genetics (formerly Invitae), Labcorp
Classification: Benign. Last evaluated: 2024-12-23. Review status: criteria provided, single submitter. Criteria: Invitae Variant Classification Sherloc (09022015). Collection method: clinical testing. Allele origin: germline.

Blueprint Genetics
Classification: Likely benign. Last evaluated: 2022-05-16. Review status: criteria provided, single submitter. Criteria: ACMG Guidelines, 2015. Collection method: clinical testing. Allele origin: germline.

GeneDx
Classification: Likely benign. Last evaluated: 2016-08-10. Review status: criteria provided, single submitter. Criteria: GeneDx Variant Classification (06012015). Collection method: clinical testing. Allele origin: germline. Affected: yes.
Comment: This variant is considered likely benign or benign based on one or more of the following criteria: it is a conservative change, it occurs at a poorly conserved position in the protein, it is predicted to be benign by multiple in silico algorithms, and/or has population frequency not consistent with disease.

PreventionGenetics, part of Exact Sciences
Classification: Likely benign for RTTN-related condition. Last evaluated: 2019-04-16. Review status: no assertion criteria provided. Collection method: clinical testing. Allele origin: germline. Not counted in ClinVar's aggregate classification.
Comment: This variant is classified as likely benign based on ACMG/AMP sequence variant interpretation guidelines (Richards et al. 2015 PMID: 25741868, with internal and published modifications).

NM_173630.4(RTTN):c.3321G>A (p.Lys1107=)

Gene: RTTN (rotatin; minus strand). Cytogenetic location: 18q22.2.
Variant type: single nucleotide variant.
Coding change: c.3321G>A on transcript NM_173630.4 (MANE Select); coding-DNA position 3321, G replaced by A.
Protein change: p.Lys1107=; no amino-acid change (lysine 1107 retained).
Molecular consequence: synonymous variant.
Genome position (GRCh38, 1-based): chr18:70,127,564, C>T on the plus strand (G>A on the coding strand, the complement: RTTN is on the minus strand). VCF-style: chr18-70127564-C-T. GRCh37 (hg19) VCF-style: chr18-67794800-C-T.
Other names: c.585G>A, p.Lys195= (NM_001318520.2).
Identifiers: ClinVar variation 388447 (VCV000388447.12), dbSNP rs147728279, ClinGen allele CA8995622.